The following is an entry in ClinVar:

NM_001953.5(TYMP):c.1444C>T (p.Gln482Ter)

Genes: SCO2 (synthesis of cytochrome C oxidase 2; minus strand), TYMP (thymidine phosphorylase; minus strand). Cytogenetic location: 22q13.33.
Variant type: single nucleotide variant.
Coding change: c.1444C>T on transcript NM_001953.5 (MANE Select); coding-DNA position 1444, C replaced by T.
Protein change: p.Gln482Ter; replaces glutamine 482 with a stop codon.
Molecular consequence: nonsense. On other transcripts: intron variant (2).
Genome position (GRCh38, 1-based): chr22:50,525,775, G>A on the plus strand (C>T on the coding strand, the complement: TYMP is on the minus strand). VCF-style: chr22-50525775-G-A. GRCh37 (hg19) VCF-style: chr22-50964204-G-A.
Other names: c.1444C>T, p.Gln482Ter (NM_001113755.3, NM_001113756.3, NM_001257988.1); c.1459C>T, p.Gln487Ter (NM_001257989.1); c.-14+471C>T (NM_001169109.2); c.-14+226C>T (NM_001169110.1); short protein forms Q482*, Q487*.
Identifiers: ClinVar variation 1805268 (VCV001805268.2), dbSNP rs1388262734, ClinGen allele CA412195879.

ClinVar aggregate classification (germline): Uncertain significance. Review status: criteria provided, multiple submitters, no conflicts (2 of 4 stars). 2 submissions from 2 submitters: Uncertain significance (2). Last evaluated 2024-05-13.

Conditions:
Mitochondrial DNA depletion syndrome 1. Also called: Mitochondrial DNA Depletion Syndrome, MNGIE Form; Mitochondrial neurogastrointestinal encephalomyopathy syndrome; POLIP SYNDROME; POLYNEUROPATHY, OPHTHALMOPLEGIA, LEUKOENCEPHALOPATHY, AND INTESTINAL PSEUDOOBSTRUCTION; Mitochondrial Neurogastrointestinal Encephalopathy Disease; MITOCHONDRIAL NEUROGASTROINTESTINAL ENCEPHALOPATHY SYNDROME, TYMP-RELATED. Identifiers: Orphanet 298, MedGen C4551995, MONDO:0011283, OMIM 603041.

Allele frequency attached by ClinVar (database versions not stated): gnomAD 0.00004; gnomAD exomes below 0.00001.
gnomAD v4.1: 9 of 1,610,696 alleles (0.00056%); highest among the groups gnomAD compares: Admixed American, 0.0017%; no homozygotes.

Submissions (2):

GeneDx
Classification: Uncertain significance. Last evaluated: 2024-05-13. Review status: criteria provided, single submitter. Criteria: GeneDx Variant Classification Process June 2021. Collection method: clinical testing. Allele origin: germline. Affected: yes.
Comment: Not observed at significant frequency in large population cohorts (gnomAD); Nonsense variant predicted to result in protein truncation as the last 1 amino acids are lost, although loss-of-function variants have not been reported downstream of this position in the protein; Has not been previously published as pathogenic or benign to our knowledge

Victorian Clinical Genetics Services, Murdoch Childrens Research Institute
Classification: Uncertain significance for Mitochondrial DNA depletion syndrome 1. Last evaluated: 2022-02-02. Review status: criteria provided, single submitter. Criteria: ACMG Guidelines, 2015. Collection method: clinical testing. Allele origin: germline. Inheritance: Autosomal recessive inheritance.
Comment: Based on the classification scheme VCGS_Germline_v1.3.4, this variant is classified as VUS-3C. Following criteria are met: 0102 - Loss of function is a known mechanism of disease in this gene and is associated with mitochondrial DNA depletion syndrome 1 (MNGIE type) (MIM#603041). (I) 0106 - This gene is associated with autosomal recessive disease. (I) 0205 - Variant is predicted to result in a truncated protein (premature termination codon is NOT located at least 54 nucleotides upstream of the final exon-exon junction) with less than 1/3 of the protein sequence affected. Specifically, it truncates the last amino acid of the protein. (SP) 0251 - This variant is heterozygous. (I) 0304 - Variant is present in gnomAD <0.01 for a recessive condition (v2: 12 heterozygotes, 0 homozygotes). (SP) 0503 - The amino acid affected by the truncation is lowly conserved. (SB) 0705 - No comparable variants have previous evidence for pathogenicity. This variant truncates the last amino acid in the protein and no missense variant has been reported at this residue. (I) 0807 - This variant has no previous evidence of pathogenicity. (I) 0905 - No published segregation evidence has been identified for this variant. (I) 1007 - No published functional evidence has been identified for this variant. (I) 1208 - Inheritance information for this variant is not currently available in this individual. (I) Legend: (SP) - Supporting pathogenic, (I) - Information, (SB) - Supporting benign